The following is an entry in ClinVar:

NM_001127898.4(CLCN5):c.1616T>G (p.Leu539Arg)

Gene: CLCN5 (Cl-/H+ antiporter 5; plus strand). Cytogenetic location: Xp11.23.
Variant type: single nucleotide variant.
Coding change: c.1616T>G on transcript NM_001127898.4 (MANE Select); coding-DNA position 1616, T replaced by G.
Protein change: p.Leu539Arg; replaces leucine 539 with arginine.
Molecular consequence: missense variant. On other transcripts: non-coding transcript variant (1).
Genome position (GRCh38, 1-based): chrX:50,088,756, T>G. VCF-style: chrX-50088756-T-G. GRCh37 (hg19) VCF-style: chrX-49853413-T-G.
Other names: c.1406T>G, p.Leu469Arg (NM_000084.5); c.1616T>G, p.Leu539Arg (NM_001127899.4); c.1466T>G, p.Leu489Arg (NM_001282163.2); c.1628T>G, p.Leu543Arg (NM_001440756.1, NM_001440757.1); short protein forms L469R, L489R, L539R, L543R.
Identifiers: ClinVar variation 4526843 (VCV004526843.1).

ClinVar aggregate classification (germline): Likely pathogenic (1 of 4 stars; one submission).

Conditions:
Hypophosphatemic rickets, X-linked recessive (XLHRR). Identifiers: Orphanet 1652, Orphanet 93622, MedGen C1845168, MONDO:0010358, OMIM 300554.
Proteinuria, low molecular weight, with hypercalciuria and nephrocalcinosis. Identifiers: Orphanet 1652, Orphanet 93622, MedGen C1839874, MONDO:0010644, OMIM 308990.
Dent disease type 1 (DENT1). Also called: NEPHROLITHIASIS 2; NEPHROLITHIASIS, HYPERCALCIURIC, X-LINKED. Identifiers: Orphanet 1652, Orphanet 93622, MedGen C1848336, MONDO:0010225, OMIM 300009.
X-linked recessive nephrolithiasis with renal failure (XRN). Also called: NEPHROLITHIASIS 1; NEPHROLITHIASIS, X-LINKED RECESSIVE, TYPE 1; UROLITHIASIS, X-LINKED RECESSIVE, TYPE 1. Identifiers: Orphanet 1652, Orphanet 93622, MedGen C0403720, MONDO:0010687, OMIM 310468.

Submission:

Rare Kidney Stone Consortium and the Mayo Clinic Hyperoxaluria Center, Mayo Clinic
Classification: Likely pathogenic for Dent disease type 1; Hypophosphatemic rickets, X-linked recessive; X-linked recessive nephrolithiasis with renal failure; Proteinuria, low molecular weight, with hypercalciuria and nephrocalcinosis. Last evaluated: 2025-10-03. Review status: criteria provided, single submitter. Criteria: ACMG Guidelines, 2015. Collection method: research. Allele origin: germline. Affected: yes. Observed: 1 variant allele.
Comment: ACMG:PM1, PM2, PM6, PP1-M, PP3, PP4

Literature cited by the submitters: PubMed 40794449.